The following is an entry in ClinVar:

ClinVar aggregate classification (germline): Uncertain significance (1 of 4 stars; one submission).

Submission:

Ambry Genetics
Classification: Uncertain significance. Last evaluated: 2022-10-08. Review status: criteria provided, single submitter. Criteria: Ambry Variant Classification Scheme 2023. Collection method: clinical testing. Allele origin: germline.
Comment: The p.T244I variant (also known as c.731C>T), located in coding exon 8 of the PRKDC gene, results from a C to T substitution at nucleotide position 731. The threonine at codon 244 is replaced by isoleucine, an amino acid with similar properties. This amino acid position is conserved. In addition, this alteration is predicted to be tolerated by in silico analysis. Since supporting evidence is limited at this time, the clinical significance of this alteration remains unclear.

NM_006904.7(PRKDC):c.731C>T (p.Thr244Ile)

Gene: PRKDC (protein kinase, DNA-activated, catalytic subunit; minus strand). Cytogenetic location: 8q11.21.
Variant type: single nucleotide variant.
Coding change: c.731C>T on transcript NM_006904.7 (MANE Select); coding-DNA position 731, C replaced by T.
Protein change: p.Thr244Ile; replaces threonine 244 with isoleucine.
Molecular consequence: missense variant.
Genome position (GRCh38, 1-based): chr8:47,944,020, G>A on the plus strand (C>T on the coding strand, the complement: PRKDC is on the minus strand). VCF-style: chr8-47944020-G-A. GRCh37 (hg19) VCF-style: chr8-48856580-G-A.
Other names: c.731C>T, p.Thr244Ile (NM_001081640.2); short protein forms T244I.
Identifiers: ClinVar variation 1758302 (VCV001758302.2), dbSNP rs2551880824, ClinGen allele CA371136719.